The following is an entry in ClinVar:

ClinVar aggregate classification (germline): Uncertain significance (1 of 4 stars; one submission).

gnomAD v4.1: 11 of 1,566,538 alleles (0.0007%); highest among the groups gnomAD compares: Non-Finnish European, 0.00095%; no homozygotes.

Submission:

Labcorp Genetics (formerly Invitae), Labcorp
Classification: Uncertain significance. Last evaluated: 2023-10-08. Review status: criteria provided, single submitter. Criteria: Invitae Variant Classification Sherloc (09022015). Collection method: clinical testing. Allele origin: germline.
Comment: This sequence change replaces alanine, which is neutral and non-polar, with serine, which is neutral and polar, at codon 558 of the CAMK2B protein (p.Ala558Ser). This variant is not present in population databases (gnomAD no frequency). This variant has not been reported in the literature in individuals affected with CAMK2B-related conditions. An algorithm developed to predict the effect of missense changes on protein structure and function (PolyPhen-2) suggests that this variant is likely to be disruptive. In summary, the available evidence is currently insufficient to determine the role of this variant in disease. Therefore, it has been classified as a Variant of Uncertain Significance.

NM_001220.5(CAMK2B):c.1672G>T (p.Ala558Ser)

Gene: CAMK2B (calcium/calmodulin dependent protein kinase II beta; minus strand). Cytogenetic location: 7p13.
Variant type: single nucleotide variant.
Coding change: c.1672G>T on transcript NM_001220.5 (MANE Select); coding-DNA position 1672, G replaced by T.
Protein change: p.Ala558Ser; replaces alanine 558 with serine.
Molecular consequence: missense variant.
Genome position (GRCh38, 1-based): chr7:44,220,827, C>A on the plus strand (G>T on the coding strand, the complement: CAMK2B is on the minus strand). VCF-style: chr7-44220827-C-A. GRCh37 (hg19) VCF-style: chr7-44260426-C-A.
Other names: c.1300G>T, p.Ala434Ser (NM_001293170.2, NM_172078.3); c.1228G>T, p.Ala410Ser (NM_172079.3, NM_172082.3); c.1225G>T, p.Ala409Ser (NM_172080.3); c.1183G>T, p.Ala395Ser (NM_172081.3); c.1111G>T, p.Ala371Ser (NM_172083.3); c.1021G>T, p.Ala341Ser (NM_172084.3); short protein forms A395S, A409S, A371S, A410S, A434S, A558S, A341S.
Identifiers: ClinVar variation 2988623 (VCV002988623.3), dbSNP rs1163572646, ClinGen allele CA367369872.